The following is an entry in ClinVar:

ClinVar aggregate classification (germline): Conflicting classifications of pathogenicity. Review status: criteria provided, conflicting classifications (1 of 4 stars). 9 submissions from 9 submitters: Uncertain significance (1); Benign (4); Likely benign (3). 1 of the submissions does not count toward it. Last evaluated 2026-04-17.

Conditions:
SPTAN1-related disorder. Also called: SPTAN1-related condition; SPTAN1-related disorders.
Early-infantile DEE. Also called: Early infantile epileptic encephalopathy with suppression bursts; Early infantile epileptic encephalopathy; Ohtahara syndrome. Identifiers: Orphanet 1934, MedGen C0393706, MONDO:0800491.
Inborn genetic diseases. Identifiers: MedGen C0950123, MeSH D030342.
Developmental and epileptic encephalopathy, 5 (DEE5). Identifiers: Orphanet 3451, MedGen C3150731, MONDO:0013277, OMIM 613477.

Allele frequency attached by ClinVar (database versions not stated): ESP Exome Variant Server 0.00015; ExAC 0.00023; gnomAD exomes 0.00024; gnomAD 0.00026; 1000 Genomes Project 30x 0.00031; 1000 Genomes Project 0.00040; TOPMed 0.00044.
gnomAD v4.1: 513 of 1,614,084 alleles (0.032%); highest among the groups gnomAD compares: Admixed American, 0.062%; no homozygotes.

Submissions (9):

Women's Health and Genetics/Laboratory Corporation of America, LabCorp
Classification: Uncertain significance. Last evaluated: 2026-04-17. Review status: criteria provided, single submitter. Criteria: LabCorp Variant Classification Summary - May 2015. Collection method: clinical testing. Allele origin: germline.
Comment: Variant summary: SPTAN1 c.4595+4G>T alters a conserved nucleotide located close to a canonical splice site and therefore could affect mRNA splicing, leading to a significantly altered protein sequence. Several computational tools predict a significant impact on normal splicing: Two predict the variant has no significant impact on splicing. Three predict the variant weakens a 5' donor site. However, these predictions have yet to be confirmed by functional studies. The variant allele was found at a frequency of 0.00024 in 251194 control chromosomes. This frequency is not significantly higher than estimated for disease-causing variants in SPTAN1, allowing no conclusion about variant significance. To our knowledge, no occurrence of c.4595+4G>T in individuals affected with SPTAN1-related conditions and no experimental evidence demonstrating its impact on protein function have been reported. ClinVar contains an entry for this variant (Variation ID: 139291). Based on the evidence outlined above, the variant was classified as VUS-possibly benign.

Labcorp Genetics (formerly Invitae), Labcorp
Classification: Benign for Early-infantile DEE. Last evaluated: 2025-12-22. Review status: criteria provided, single submitter. Criteria: Invitae Variant Classification Sherloc (09022015). Collection method: clinical testing. Allele origin: germline.

Mayo Clinic Laboratories, Mayo Clinic
Classification: Likely benign. Last evaluated: 2025-06-09. Review status: criteria provided, single submitter. Criteria: ACMG Guidelines, 2015. Collection method: clinical testing. Allele origin: germline. Observed: 1 variant allele.
Comment: BS2, BP4, BP7

Blueprint Genetics
Classification: Likely benign. Last evaluated: 2024-07-05. Review status: criteria provided, single submitter. Criteria: ACMG Guidelines, 2015. Collection method: clinical testing. Allele origin: germline.

Genome-Nilou Lab
Classification: Benign for Developmental and epileptic encephalopathy, 5. Last evaluated: 2021-07-15. Review status: criteria provided, single submitter. Criteria: ACMG Guidelines, 2015. Collection method: clinical testing. Allele origin: germline. Affected: no.

Athena Diagnostics
Classification: Benign. Last evaluated: 2018-08-23. Review status: criteria provided, single submitter. Criteria: Athena Diagnostics Criteria. Collection method: clinical testing. Allele origin: germline.

Ambry Genetics
Classification: Likely benign for Inborn genetic diseases. Last evaluated: 2018-04-19. Review status: criteria provided, single submitter. Criteria: Ambry Variant Classification Scheme 2023. Collection method: clinical testing. Allele origin: germline.

GeneDx
Classification: Benign. Last evaluated: 2013-06-21. Review status: criteria provided, single submitter. Criteria: GeneDx Variant Classification (06012015). Collection method: clinical testing. Allele origin: germline. Affected: yes.
Comment: This variant is considered likely benign or benign based on one or more of the following criteria: it is a conservative change, it occurs at a poorly conserved position in the protein, it is predicted to be benign by multiple in silico algorithms, and/or has population frequency not consistent with disease.

PreventionGenetics, part of Exact Sciences
Classification: Likely benign for SPTAN1-related condition. Last evaluated: 2024-02-15. Review status: no assertion criteria provided. Collection method: clinical testing. Allele origin: germline. Not counted in ClinVar's aggregate classification.
Comment: This variant is classified as likely benign based on ACMG/AMP sequence variant interpretation guidelines (Richards et al. 2015 PMID: 25741868, with internal and published modifications).

NM_001130438.3(SPTAN1):c.4595+4G>T

Gene: SPTAN1 (spectrin alpha, non-erythrocytic 1; plus strand). Cytogenetic location: 9q34.11.
Variant type: single nucleotide variant.
Coding change: c.4595+4G>T on transcript NM_001130438.3 (MANE Select); 4 bases into the intron after coding-DNA position 4595, G replaced by T.
Molecular consequence: intron variant.
Genome position (GRCh38, 1-based): chr9:128,608,981, G>T. VCF-style: chr9-128608981-G-T. GRCh37 (hg19) VCF-style: chr9-131371260-G-T.
Other names: p.?; c.4595+4G>T (NM_001363759.2, NM_003127.4); c.4535+4G>T (NM_001363765.2, NM_001195532.2).
Identifiers: ClinVar variation 139291 (VCV000139291.23), dbSNP rs185925523, ClinGen allele CA293735.